The following is an entry in ClinVar:

ClinVar aggregate classification (germline): Uncertain significance. Review status: criteria provided, multiple submitters, no conflicts (2 of 4 stars). 2 submissions from 2 submitters: Uncertain significance (2). Last evaluated 2024-02-21.

Conditions:
Inborn genetic diseases. Identifiers: MedGen C0950123, MeSH D030342.
Autosomal recessive early-onset Parkinson disease 6 (PARK6). Also called: PARKINSON DISEASE 6, EARLY-ONSET; PINK1-Related Parkinson Disease; PINK1 Type of Young-Onset Parkinson Disease; PARKINSON DISEASE 6, MODIFIER OF. Identifiers: Orphanet 2828, MedGen C1853833, MONDO:0011613, OMIM 605909.

Allele frequency attached by ClinVar (database versions not stated): TOPMed 0.00002.
gnomAD v4.1: 6 of 1,529,650 alleles (0.00039%); highest among the groups gnomAD compares: Non-Finnish European, 0.00052%; no homozygotes.

Submissions (2):

Ambry Genetics
Classification: Uncertain significance for Inborn genetic diseases. Last evaluated: 2024-02-21. Review status: criteria provided, single submitter. Criteria: Ambry Variant Classification Scheme 2023. Collection method: clinical testing. Allele origin: germline.

Labcorp Genetics (formerly Invitae), Labcorp
Classification: Uncertain significance for Autosomal recessive early-onset Parkinson disease 6. Last evaluated: 2022-06-24. Review status: criteria provided, single submitter. Criteria: Invitae Variant Classification Sherloc (09022015). Collection method: clinical testing. Allele origin: germline.
Comment: In summary, the available evidence is currently insufficient to determine the role of this variant in disease. Therefore, it has been classified as a Variant of Uncertain Significance. Algorithms developed to predict the effect of missense changes on protein structure and function (SIFT, PolyPhen-2, Align-GVGD) all suggest that this variant is likely to be tolerated. This variant has not been reported in the literature in individuals affected with PINK1-related conditions. This variant is not present in population databases (gnomAD no frequency). This sequence change replaces arginine, which is basic and polar, with lysine, which is basic and polar, at codon 58 of the PINK1 protein (p.Arg58Lys).

NM_032409.3(PINK1):c.173G>A (p.Arg58Lys)

Genes: MIR6084 (microRNA 6084; plus strand), PINK1 (PTEN induced kinase 1; plus strand). Cytogenetic location: 1p36.12.
Variant type: single nucleotide variant.
Coding change: c.173G>A on transcript NM_032409.3 (MANE Select); coding-DNA position 173, G replaced by A.
Protein change: p.Arg58Lys; replaces arginine 58 with lysine.
Molecular consequence: missense variant. On other transcripts: non-coding transcript variant (1).
Genome position (GRCh38, 1-based): chr1:20,633,721, G>A. VCF-style: chr1-20633721-G-A. GRCh37 (hg19) VCF-style: chr1-20960214-G-A.
Other names: c.173G>A (NM_032409.2); short protein forms R58K.
Identifiers: ClinVar variation 2142468 (VCV002142468.5), dbSNP rs956491558, ClinGen allele CA18987831.